The following is an entry in ClinVar:

ClinVar aggregate classification (germline): Likely pathogenic (1 of 4 stars; one submission).

Conditions:
Catecholaminergic polymorphic ventricular tachycardia 1. Also called: VENTRICULAR TACHYCARDIA, STRESS-INDUCED POLYMORPHIC 1; RYR2-Related Catecholaminergic Polymorphic Ventricular Tachycardia; VENTRICULAR TACHYCARDIA, CATECHOLAMINERGIC POLYMORPHIC, 1, WITH OR WITHOUT ATRIAL DYSFUNCTION AND/OR DILATED CARDIOMYOPATHY. Identifiers: Orphanet 3286, MedGen C1631597, MONDO:0011484, OMIM 604772.

Submission:

Labcorp Genetics (formerly Invitae), Labcorp
Classification: Likely pathogenic for Catecholaminergic polymorphic ventricular tachycardia 1. Last evaluated: 2025-08-21. Review status: criteria provided, single submitter. Criteria: Invitae Variant Classification Sherloc (09022015). Collection method: clinical testing. Allele origin: germline.
Comment: This sequence change replaces cysteine, which is neutral and slightly polar, with phenylalanine, which is neutral and non-polar, at codon 4193 of the RYR2 protein (p.Cys4193Phe). This variant is not present in population databases (gnomAD no frequency). This variant has not been reported in the literature in individuals affected with RYR2-related conditions. Invitae Evidence Modeling of protein sequence and biophysical properties (such as structural, functional, and spatial information, amino acid conservation, physicochemical variation, residue mobility, and thermodynamic stability) indicates that this missense variant is expected to disrupt RYR2 protein function with a positive predictive value of 95%. This variant disrupts the p.Cys4193 amino acid residue in RYR2. Other variant(s) that disrupt this residue have been determined to be pathogenic (PMID: 26114861). This suggests that this residue is clinically significant, and that variants that disrupt this residue are likely to be disease-causing. In summary, the currently available evidence indicates that the variant is pathogenic, but additional data are needed to prove that conclusively. Therefore, this variant has been classified as Likely Pathogenic.

Literature cited by the submitters: PubMed 26114861.

NM_001035.3(RYR2):c.12578G>T (p.Cys4193Phe)

Genes: RYR2 (ryanodine receptor 2; plus strand), LOC126806068 (BRD4-independent group 4 enhancer GRCh37_chr1:237947411-237948610; plus strand). Cytogenetic location: 1q43.
Variant type: single nucleotide variant.
Coding change: c.12578G>T on transcript NM_001035.3 (MANE Select); coding-DNA position 12578, G replaced by T.
Protein change: p.Cys4193Phe; replaces cysteine 4193 with phenylalanine.
Molecular consequence: missense variant.
Genome position (GRCh38, 1-based): chr1:237,784,290, G>T. VCF-style: chr1-237784290-G-T. GRCh37 (hg19) VCF-style: chr1-237947590-G-T.
Other names: short protein forms C4193F.
Identifiers: ClinVar variation 4800118 (VCV004800118.1).